The following is an entry in ClinVar:

ClinVar aggregate classification (germline): Uncertain significance. Review status: criteria provided, multiple submitters, no conflicts (2 of 4 stars). 2 submissions from 2 submitters: Uncertain significance (2). Last evaluated 2025-07-11.

Conditions:
Weill-Marchesani syndrome 2, dominant. Also called: FBN1-Related Weill-Marchesani Syndrome; Weill-Marchesani Syndrome, Autosomal Dominant. Identifiers: Orphanet 2084, MedGen C1869115, MONDO:0012013, OMIM 608328.
Progeroid and marfanoid aspect-lipodystrophy syndrome. Also called: MARFANOID-PROGEROID SYNDROME; MARFAN-PROGEROID-LIPODYSTROPHY SYNDROME; Marfan lipodystrophy syndrome; MARFANOID-PROGEROID-LIPODYSTROPHY SYNDROME. Identifiers: Orphanet 300382, MedGen C4310796, MONDO:0014831, OMIM 616914.
Acromicric dysplasia (ACMICD). Also called: Acromicric skeletal dysplasia. Identifiers: Orphanet 969, MedGen C0265287, MONDO:0007055, OMIM 102370.
Ectopia lentis 1, isolated, autosomal dominant (ECTOL1). Identifiers: Orphanet 1885, MedGen C3541518, MONDO:0007514, OMIM 129600.
Geleophysic dysplasia 2 (GPHYSD2). Identifiers: Orphanet 2623, MedGen C3280054, MONDO:0013612, OMIM 614185.
Marfan syndrome (MFS). Also called: Marfan syndrome, classic; Marfan syndrome type 1; Marfan's syndrome; FBN1-Related Marfan Syndrome; MARFAN SYNDROME, TYPE I. Identifiers: Orphanet 284963, Orphanet 558, MedGen C0024796, MONDO:0007947, OMIM 154700.
MASS syndrome (OCTD). Also called: OVERLAP CONNECTIVE TISSUE DISEASE; MASS PHENOTYPE. Identifiers: MedGen C1858556, MONDO:0011431, OMIM 604308.
Stiff skin syndrome (SSKS). Identifiers: Orphanet 2833, MedGen C1861456, MONDO:0008492, OMIM 184900.
Familial thoracic aortic aneurysm and aortic dissection (TAAD). Also called: Thoracic aortic aneurysms and dissections. Identifiers: Orphanet 91387, MedGen C4707243, MONDO:0019625.

Allele frequency attached by ClinVar (database versions not stated): gnomAD exomes below 0.00001; TOPMed below 0.00001; ExAC 0.00001; gnomAD 0.00002 and 0.00001; 1000 Genomes Project 30x 0.00016; 1000 Genomes Project 0.00020.
gnomAD v4.1: 8 of 1,614,078 alleles (0.0005%); highest among the groups gnomAD compares: East Asian, 0.0045%; no homozygotes.

Submissions (2):

Color Diagnostics, LLC DBA Color Health
Classification: Uncertain significance for Familial thoracic aortic aneurysm and aortic dissection. Last evaluated: 2025-07-11. Review status: criteria provided, single submitter. Criteria: ACMG Guidelines, 2015. Collection method: clinical testing. Allele origin: germline.
Comment: This missense variant replaces cysteine at codon 1632 in an EGF-like calcium-binding domain of the FBN1 protein. Computational prediction tool is inconclusive regarding the impact of this variant on protein structure and function. Cysteine creating variants in cbEGF-like domains have been shown to affect protein stability and are overrepresented among patients with Marfan syndrome (PMID: 15161917, 16571647, 17701892). To our knowledge, functional studies have not been reported for this variant. This variant has not been reported in individuals affected with FBN1-related disorders in the literature. This variant has been identified in 1/251312 chromosomes in the general population by the Genome Aggregation Database (gnomAD). The available evidence is insufficient to determine the role of this variant in disease conclusively. Therefore, this variant is classified as a Variant of Uncertain Significance.

Fulgent Genetics
Classification: Uncertain significance for Acromicric dysplasia; Ectopia lentis 1, isolated, autosomal dominant; Marfan syndrome; Stiff skin syndrome; MASS syndrome; Weill-Marchesani syndrome 2, dominant; Geleophysic dysplasia 2; Progeroid and marfanoid aspect-lipodystrophy syndrome. Last evaluated: 2021-07-01. Review status: criteria provided, single submitter. Criteria: ACMG Guidelines, 2015. Collection method: clinical testing. Allele origin: unknown.

Literature cited by the submitters: PubMed 15161917 (cited by Color Diagnostics, LLC DBA Color Health); PubMed 16571647 (cited by Color Diagnostics, LLC DBA Color Health); PubMed 17701892 (cited by Color Diagnostics, LLC DBA Color Health).

NM_000138.5(FBN1):c.4894C>T (p.Arg1632Cys)

Gene: FBN1 (fibrillin 1; minus strand). Cytogenetic location: 15q21.1.
Variant type: single nucleotide variant.
Coding change: c.4894C>T on transcript NM_000138.5 (MANE Select); coding-DNA position 4894, C replaced by T.
Protein change: p.Arg1632Cys; replaces arginine 1632 with cysteine.
Molecular consequence: missense variant.
Genome position (GRCh38, 1-based): chr15:48,465,616, G>A on the plus strand (C>T on the coding strand, the complement: FBN1 is on the minus strand). VCF-style: chr15-48465616-G-A. GRCh37 (hg19) VCF-style: chr15-48757813-G-A.
Other names: short protein forms R1632C.
Identifiers: ClinVar variation 928232 (VCV000928232.5), dbSNP rs544990350, ClinGen allele CA053898.